The following is an entry in ClinVar:

ClinVar aggregate classification (germline): Uncertain significance (1 of 4 stars; one submission).

Conditions:
Combined immunodeficiency due to DOCK8 deficiency (HIES2). Also called: HIES autosomal recessive; HYPER-IgE RECURRENT INFECTION SYNDROME 2, AUTOSOMAL RECESSIVE; Hyper-IgE recurrent infection syndrome, autosomal recessive; HYPER-IgE SYNDROME 2, AUTOSOMAL RECESSIVE, WITH RECURRENT INFECTIONS; DOCK8 Deficiency. Identifiers: Orphanet 217390, MedGen C4722305, MONDO:0009478, OMIM 243700.

Allele frequency attached by ClinVar (database versions not stated): ExAC 0.00001; TOPMed 0.00001.
gnomAD v4.1: 2 of 1,614,152 alleles (0.00012%); highest among the groups gnomAD compares: Non-Finnish European, 0.000085%; no homozygotes.

Submission:

Labcorp Genetics (formerly Invitae), Labcorp
Classification: Uncertain significance for Combined immunodeficiency due to DOCK8 deficiency. Last evaluated: 2026-01-14. Review status: criteria provided, single submitter. Criteria: Invitae Variant Classification Sherloc (09022015). Collection method: clinical testing. Allele origin: germline.
Comment: This sequence change replaces leucine, which is neutral and non-polar, with phenylalanine, which is neutral and non-polar, at codon 450 of the DOCK8 protein (p.Leu450Phe). This variant is present in population databases (rs752810601, gnomAD 0.003%). This variant has not been reported in the literature in individuals affected with DOCK8-related conditions. ClinVar contains an entry for this variant (Variation ID: 3015838). Invitae Evidence Modeling of protein sequence and biophysical properties (such as structural, functional, and spatial information, amino acid conservation, physicochemical variation, residue mobility, and thermodynamic stability) indicates that this missense variant is not expected to disrupt DOCK8 protein function with a negative predictive value of 80%. In summary, the available evidence is currently insufficient to determine the role of this variant in disease. Therefore, it has been classified as a Variant of Uncertain Significance.

NM_203447.4(DOCK8):c.1348C>T (p.Leu450Phe)

Gene: DOCK8 (dedicator of cytokinesis 8; plus strand). Cytogenetic location: 9p24.3.
Variant type: single nucleotide variant.
Coding change: c.1348C>T on transcript NM_203447.4 (MANE Select); coding-DNA position 1348, C replaced by T.
Protein change: p.Leu450Phe; replaces leucine 450 with phenylalanine.
Molecular consequence: missense variant.
Genome position (GRCh38, 1-based): chr9:336,644, C>T. VCF-style: chr9-336644-C-T. GRCh37 (hg19) VCF-style: chr9-336644-C-T.
Other names: c.1144C>T, p.Leu382Phe (NM_001190458.2, NM_001193536.2); short protein forms L450F, L382F.
Identifiers: ClinVar variation 3015838 (VCV003015838.3), dbSNP rs752810601, ClinGen allele CA4957699.